The following is an entry in ClinVar:

ClinVar aggregate classification (germline): Pathogenic (1 of 4 stars; one submission).

Submission:

GeneDx
Classification: Pathogenic. Last evaluated: 2022-01-27. Review status: criteria provided, single submitter. Criteria: GeneDx Variant Classification Process June 2021. Collection method: clinical testing. Allele origin: germline. Affected: yes.
Comment: Nonsense variant predicted to result in protein truncation or nonsense mediated decay in a gene for which loss-of-function is a known mechanism of disease; Not observed at significant frequency in large population cohorts (gnomAD); Has not been previously published as pathogenic or benign to our knowledge

NM_015559.3(SETBP1):c.2681_2682del (p.Ser893_Phe894insTer)

Gene: SETBP1 (SET binding protein 1; plus strand). Cytogenetic location: 18q12.3.
Variant type: Deletion.
Coding change: c.2681_2682del on transcript NM_015559.3 (MANE Select); coding-DNA positions 2681 to 2682, 2 bases deleted (TT; older notation c.2681_2682delTT).
Protein change: p.Ser893_Phe894insTer.
Molecular consequence: nonsense.
Genome position (GRCh38, 1-based): chr18:44,952,021-44,952,022, TT deleted; deleting any 2 consecutive bases within chr18:44,952,019-44,952,022 gives the same sequence; the c. name uses the placement nearest the transcript's 3' end. VCF-style (leftmost placement, unchanged base first): chr18-44952018-CTT-C. GRCh37 (hg19) VCF-style: chr18-42531983-CTT-C.
Other names: c.2681_2682del, p.Ser893_Phe894insTer (NM_001379141.1, NM_001379142.1).
Identifiers: ClinVar variation 1338934 (VCV001338934.2), dbSNP rs2145106470, ClinGen allele CA2573054660.